The following is an entry in ClinVar:

ClinVar aggregate classification (germline): Uncertain significance. Review status: criteria provided, multiple submitters, no conflicts (2 of 4 stars). 2 submissions from 2 submitters: Uncertain significance (2). Last evaluated 2026-01-04.

Conditions:
Hereditary cancer-predisposing syndrome. Also called: Hereditary neoplastic syndrome; Tumor predisposition; Neoplastic Syndromes, Hereditary; Hereditary Cancer Syndrome. Identifiers: Orphanet 140162, MedGen C0027672, MeSH D009386, MONDO:0015356.

Submissions (2):

Ambry Genetics
Classification: Uncertain significance for Hereditary cancer-predisposing syndrome. Last evaluated: 2026-01-04. Review status: criteria provided, single submitter. Criteria: Ambry Variant Classification Scheme 2023. Collection method: clinical testing. Allele origin: germline.
Comment: The p.T2017S variant (also known as c.6050C>G), located in coding exon 15 of the APC gene, results from a C to G substitution at nucleotide position 6050. The threonine at codon 2017 is replaced by serine, an amino acid with similar properties. This amino acid position is conserved. In addition, in silico predictors for this gene do not accurately predict pathogenicity. Based on the available evidence, the clinical significance of this variant remains unclear.

GeneDx
Classification: Uncertain significance. Last evaluated: 2024-04-07. Review status: criteria provided, single submitter. Criteria: GeneDx Variant Classification Process June 2021. Collection method: clinical testing. Allele origin: germline. Affected: yes.
Comment: Not observed at significant frequency in large population cohorts (gnomAD); In silico analysis indicates that this missense variant does not alter protein structure/function; Has not been previously published as pathogenic or benign to our knowledge; This variant is associated with the following publications: (PMID: 18199528, 36243179)

NM_000038.6(APC):c.6050C>G (p.Thr2017Ser)

Gene: APC (APC regulator of Wnt signaling pathway; plus strand). Cytogenetic location: 5q22.2.
Variant type: single nucleotide variant.
Coding change: c.6050C>G on transcript NM_000038.6 (MANE Select); coding-DNA position 6050, C replaced by G.
Protein change: p.Thr2017Ser; replaces threonine 2017 with serine.
Molecular consequence: missense variant. On other transcripts: non-coding transcript variant (2).
Genome position (GRCh38, 1-based): chr5:112,841,644, C>G. VCF-style: chr5-112841644-C-G. GRCh37 (hg19) VCF-style: chr5-112177341-C-G.
Other names: c.6050C>G, p.Thr2017Ser (NM_001127510.3, NM_001354895.2, NM_001407450.1); c.5996C>G, p.Thr1999Ser (NM_001127511.3); c.6104C>G, p.Thr2035Ser (NM_001354896.2, NM_001407447.1, NM_001407448.1 and 1 more transcripts); c.6080C>G, p.Thr2027Ser (NM_001354897.2); c.5975C>G, p.Thr1992Ser (NM_001354898.2); c.5966C>G, p.Thr1989Ser (NM_001354899.2); c.5927C>G, p.Thr1976Ser (NM_001354900.2); c.5873C>G, p.Thr1958Ser (NM_001354901.2, NM_001407453.1); and 11 more; short protein forms T1633S, T1734S, T1857S, T1888S, T1891S, T1916S, T1926S, T1934S.
Identifiers: ClinVar variation 3372265 (VCV003372265.2).
Genomic context (GRCh38, chr5:112,841,644, plus strand): 5'-GAGAACCAAGTAAACCTCAAGCATCAGGCTATGCTCCTAAATCATTTCATGTTGAAGATA[C>G]CCCAGTTTGTTTCTCAAGAAACAGTTCTCTCAGTTCTCTTAGTATTGACTCTGAAGATGA-3'
Protein context (NP_000029.2, residues 2007-2027): YAPKSFHVED[Thr2017Ser]PVCFSRNSSL